The following is an entry in ClinVar:

NM_005629.4(SLC6A8):c.1255-35G>A

Gene: SLC6A8 (solute carrier family 6 member 8; plus strand). Cytogenetic location: Xq28.
Variant type: single nucleotide variant.
Coding change: c.1255-35G>A on transcript NM_005629.4 (MANE Select); 35 bases into the intron before coding-DNA position 1255, G replaced by A.
Molecular consequence: intron variant.
Genome position (GRCh38, 1-based): chrX:153,694,095, G>A. VCF-style: chrX-153694095-G-A. GRCh37 (hg19) VCF-style: chrX-152959550-G-A.
Other names: NM_001142805.2:c.1225-35G>A; c.1225-35G>A (NM_001142805.2); c.910-35G>A (NM_001142806.1).
Identifiers: ClinVar variation 3066441 (VCV003066441.1), dbSNP rs2091473750, ClinGen allele CA2466438179.

ClinVar aggregate classification (germline): Uncertain significance (3 of 4 stars; one submission).

Conditions:
Creatine transporter deficiency (CCDS1). Also called: Mental retardation , X-linked with seizures, short stature and midface hypoplasia; Mental retardation , X-linked, with creatine transport deficiency; X-linked creatine transporter deficiency; X-linked creatine deficiency syndrome; SLC6A8-Related Creatine Transporter Deficiency; CREATINE TRANSPORTER DEFECT. Identifiers: Orphanet 52503, MedGen C1845862, MONDO:0010305, OMIM 300352.

Allele frequency attached by ClinVar (database versions not stated): TOPMed 0.00001.

Submission:

ClinGen Cerebral Creatine Deficiency Syndromes Variant Curation Expert Panel, ClinGen
Classification: Uncertain significance for Creatine transporter deficiency. Last evaluated: 2024-03-28. Review status: reviewed by expert panel. Criteria: ClinGen_CCDS_ACMG_Specifications_SLC6A8_v1.1. Collection method: curation. Allele origin: germline. Inheritance: X-linked inheritance.
Comment: The NM_005629.4:c.1255-35G>A variant in SLC6A8 is an intronic variant affecting a nucleotide within the consensus splice site of intron 8. This variant has been reported as a novel variant in one individual undergoing genetic testing for suspected X-linked intellectual disability (PMID: 15154114), without further specification; thus PP4 does not apply. The variant is absent in gnomAD v2.1.1. (PM2_Supporting). The computational predictors SpliceAI and varSEAK predict that this variant does not impact splicing (BP4). In summary, this variant meets criteria to be classified as a variant of uncertain significance for creatine transporter deficiency. SLC6A8-specific criteria applied, as specified by the ClinGen CCDS VCEP (Specifications Version 1.1.0): PM2_Supporting, BP4. Curation Expert Panel on March 28, 2024)